The following is an entry in ClinVar:

ClinVar aggregate classification (germline): Pathogenic (1 of 4 stars; one submission).

Conditions:
Schimke immuno-osseous dysplasia (SIOD). Also called: Schimke Immunoosseous Dysplasia. Identifiers: Orphanet 1830, MedGen C0877024, MONDO:0009458, OMIM 242900.

Submission:

Labcorp Genetics (formerly Invitae), Labcorp
Classification: Pathogenic for Schimke immuno-osseous dysplasia. Last evaluated: 2021-01-12. Review status: criteria provided, single submitter. Criteria: Invitae Variant Classification Sherloc (09022015). Collection method: clinical testing. Allele origin: germline.
Comment: For these reasons, this variant has been classified as Pathogenic. This variant has not been reported in the literature in individuals with SMARCAL1-related conditions. This variant is not present in population databases (ExAC no frequency). This sequence change creates a premature translational stop signal (p.Pro542Leufs*28) in the SMARCAL1 gene. It is expected to result in an absent or disrupted protein product. Loss-of-function variants in SMARCAL1 are known to be pathogenic (PMID: 11799392, 20301550).

Literature cited by the submitters: PubMed 11799392; PubMed 20301550.

NM_014140.4(SMARCAL1):c.1625del (p.Pro542fs)

Gene: SMARCAL1 (SNF2 related chromatin remodeling annealing helicase 1; plus strand). Cytogenetic location: 2q35.
Variant type: Deletion.
Coding change: c.1625del on transcript NM_014140.4 (MANE Select); coding-DNA position 1625, one base deleted (C; older notation c.1625delC).
Protein change: p.Pro542fs; shifts the reading frame from proline 542.
Molecular consequence: frameshift variant.
Genome position (GRCh38, 1-based): chr2:216,435,477, C deleted; the last of 4 consecutive C bases (chr2:216,435,474-216,435,477); deleting any one gives the same sequence. VCF-style (leftmost placement, unchanged base first): chr2-216435473-AC-A. GRCh37 (hg19) VCF-style: chr2-217300196-AC-A.
Other names: c.1625del, p.Pro542fs (NM_001127207.2); short protein forms P542fs.
Identifiers: ClinVar variation 1458384 (VCV001458384.6), dbSNP rs2106037172, ClinGen allele CA2573135266.